The following is an entry in ClinVar:

ClinVar aggregate classification (germline): Conflicting classifications of pathogenicity. Review status: criteria provided, conflicting classifications (1 of 4 stars). 6 submissions from 6 submitters: Uncertain significance (1); Likely benign (5). Last evaluated 2026-07-07.

Conditions:
Rhabdoid tumor predisposition syndrome 2 (RTPS2). Identifiers: Orphanet 231108, Orphanet 69077, MedGen C2750074, MONDO:0013224, OMIM 613325.
Hereditary cancer-predisposing syndrome. Also called: Tumor predisposition; Hereditary neoplastic syndrome; Neoplastic Syndromes, Hereditary; Hereditary Cancer Syndrome. Identifiers: Orphanet 140162, MedGen C0027672, MeSH D009386, MONDO:0015356.

Allele frequency attached by ClinVar (database versions not stated): 1000 Genomes Project 30x 0.00047; ESP Exome Variant Server 0.00031.
gnomAD v4.1: 488 of 1,613,196 alleles (0.03%); highest among the groups gnomAD compares: Non-Finnish European, 0.039%; 1 homozygote.

Submissions (6):

Myriad Genetics, Inc.
Classification: Likely benign for Rhabdoid tumor predisposition syndrome 2. Last evaluated: 2026-07-07. Review status: criteria provided, single submitter. Criteria: Myriad Autosomal Dominant, Autosomal Recessive and X-Linked Classification Criteria (2023). Collection method: clinical testing. Allele origin: unknown.
Comment: This variant is considered likely benign. This variant is intronic and is not expected to impact mRNA splicing. This variant has been observed at a population frequency that is significantly greater than expected given the associated disease prevalence and penetrance.

Labcorp Genetics (formerly Invitae), Labcorp
Classification: Likely benign for Rhabdoid tumor predisposition syndrome 2. Last evaluated: 2026-01-28. Review status: criteria provided, single submitter. Criteria: Invitae Variant Classification Sherloc (09022015). Collection method: clinical testing. Allele origin: germline.

Blueprint Genetics
Classification: Likely benign. Last evaluated: 2024-10-22. Review status: criteria provided, single submitter. Criteria: ACMG Guidelines, 2015. Collection method: clinical testing. Allele origin: germline.

GeneDx
Classification: Likely benign. Last evaluated: 2020-10-27. Review status: criteria provided, single submitter. Criteria: GeneDx Variant Classification Process June 2021. Collection method: clinical testing. Allele origin: germline. Affected: yes.

Sema4
Classification: Likely benign for Hereditary cancer-predisposing syndrome. Last evaluated: 2020-07-02. Review status: criteria provided, single submitter. Criteria: Sema4 Curation Guidelines. Collection method: curation. Allele origin: germline.

Centre for Mendelian Genomics, University Medical Centre Ljubljana
Classification: Uncertain significance for Rhabdoid tumor predisposition syndrome 2. Last evaluated: 2019-05-09. Review status: criteria provided, single submitter. Criteria: ACMG Guidelines, 2015. Collection method: clinical testing. Allele origin: unknown. Affected: yes.
Comment: This variant was classified as: Uncertain significance. The available evidence on this variant's pathogenicity is insufficient or conflicting. The following ACMG criteria were applied in classifying this variant: BP4.

NM_003072.5(SMARCA4):c.1944-12C>A

Gene: SMARCA4 (SWI/SNF related BAF chromatin remodeling complex subunit ATPase 4; plus strand). Cytogenetic location: 19p13.2.
Variant type: single nucleotide variant.
Coding change: c.1944-12C>A on transcript NM_003072.5 (MANE Select); 12 bases into the intron before coding-DNA position 1944, C replaced by A.
Molecular consequence: intron variant.
Genome position (GRCh38, 1-based): chr19:11,003,328, C>A. VCF-style: chr19-11003328-C-A. GRCh37 (hg19) VCF-style: chr19-11114004-C-A.
Other names: c.1944-12C>A (NM_001374457.1, NM_001128844.3, NM_001128845.2 and 4 more transcripts).
Identifiers: ClinVar variation 932035 (VCV000932035.17), dbSNP rs149763341, ClinGen allele CA9203954.